The following is an entry in ClinVar:

NM_001360016.2(G6PD):c.574C>T (p.Arg192Cys)

Gene: G6PD (glucose-6-phosphate dehydrogenase; minus strand). Cytogenetic location: Xq28.
Variant type: single nucleotide variant.
Coding change: c.574C>T on transcript NM_001360016.2 (MANE Select); coding-DNA position 574, C replaced by T.
Protein change: p.Arg192Cys; replaces arginine 192 with cysteine.
Molecular consequence: missense variant.
Genome position (GRCh38, 1-based): chrX:154,534,408, G>A on the plus strand (C>T on the coding strand, the complement: G6PD is on the minus strand). VCF-style: chrX-154534408-G-A. GRCh37 (hg19) VCF-style: chrX-153762623-G-A.
Other names: c.664C>T, p.Arg222Cys (NM_000402.4); c.574C>T, p.Arg192Cys (NM_001042351.3); short protein forms R192C, R222C.
Identifiers: ClinVar variation 537706 (VCV000537706.7), dbSNP rs1557230370, ClinGen allele CA415237917.

ClinVar aggregate classification (germline): Uncertain significance (1 of 4 stars; one submission).

Conditions:
Anemia, nonspherocytic hemolytic, due to G6PD deficiency (CNSHA1). Also called: Class I glucose-6-phosphate dehydrogenase deficiency; Favism, susceptibility to; ANEMIA, CONGENITAL, NONSPHEROCYTIC HEMOLYTIC, 1; Hemolytic anemia due to G6PD deficiency. Identifiers: Orphanet 466026, MedGen C2720289, MONDO:0010480, OMIM 300908.

Allele frequency attached by ClinVar (database versions not stated): TOPMed below 0.00001; gnomAD exomes 0.00001.
gnomAD v4.1: 13 of 1,210,799 alleles (0.0011%); highest among the groups gnomAD compares: Admixed American, 0.0022%; no homozygotes.

Submission:

Labcorp Genetics (formerly Invitae), Labcorp
Classification: Uncertain significance for Anemia, nonspherocytic hemolytic, due to G6PD deficiency. Last evaluated: 2024-02-14. Review status: criteria provided, single submitter. Criteria: Invitae Variant Classification Sherloc (09022015). Collection method: clinical testing. Allele origin: germline.
Comment: This sequence change replaces arginine, which is basic and polar, with cysteine, which is neutral and slightly polar, at codon 192 of the G6PD protein (p.Arg192Cys). This variant is present in population databases (no rsID available, gnomAD 0.004%). This variant has not been reported in the literature in individuals affected with G6PD-related conditions. ClinVar contains an entry for this variant (Variation ID: 537706). Advanced modeling of protein sequence and biophysical properties (such as structural, functional, and spatial information, amino acid conservation, physicochemical variation, residue mobility, and thermodynamic stability) performed at Invitae indicates that this missense variant is expected to disrupt G6PD protein function with a positive predictive value of 95%. In summary, the available evidence is currently insufficient to determine the role of this variant in disease. Therefore, it has been classified as a Variant of Uncertain Significance.